The following is an entry in ClinVar:

ClinVar aggregate classification (germline): Uncertain significance (1 of 4 stars; one submission).

Submission:

Women's Health and Genetics/Laboratory Corporation of America, LabCorp
Classification: Uncertain significance. Last evaluated: 2024-06-19. Review status: criteria provided, single submitter. Criteria: LabCorp Variant Classification Summary - May 2015. Collection method: clinical testing. Allele origin: germline.
Comment: Variant summary: ERCC5 c.2991delT (p.Phe997LeufsX3) results in a premature termination codon, predicted to cause a truncation of the encoded protein. No downstream missense, in-frame or truncating variants have been associated with disease. The variant was absent in 251020 control chromosomes. To our knowledge, no occurrence of c.2991delT in individuals affected with Cerebrooculofacioskeletal Syndrome 3 and no experimental evidence demonstrating its impact on protein function have been reported. No submitters have cited clinical-significance assessments for this variant to ClinVar. Based on the evidence outlined above, the variant was classified as VUS.

NM_000123.4(ERCC5):c.2991del (p.Phe997fs)

Genes: BIVM-ERCC5 (BIVM-ERCC5 readthrough; plus strand), ERCC5 (ERCC excision repair 5, endonuclease; plus strand). Cytogenetic location: 13q33.1.
Variant type: Deletion.
Coding change: c.2991del on transcript NM_000123.4 (MANE Select); coding-DNA position 2991, one base deleted (T; older notation c.2991delT).
Protein change: p.Phe997fs; shifts the reading frame from phenylalanine 997.
Molecular consequence: frameshift variant.
Genome position (GRCh38, 1-based): chr13:102,875,333, T deleted; the last of 3 consecutive T bases (chr13:102,875,331-102,875,333); deleting any one gives the same sequence. VCF-style (leftmost placement, unchanged base first): chr13-102875330-CT-C. GRCh37 (hg19) VCF-style: chr13-103527680-CT-C.
Other names: c.4353del, p.Phe1451fs (NM_001204425.2); c.2991delT (NM_000123.4); short protein forms F1451fs, F997fs.
Identifiers: ClinVar variation 3339964 (VCV003339964.1).